The following is an entry in ClinVar:

NM_000059.4(BRCA2):c.68-7dup

Gene: BRCA2 (BRCA2 DNA repair associated; plus strand). Cytogenetic location: 13q13.1.
Variant type: Duplication.
Coding change: c.68-7dup on transcript NM_000059.4 (MANE Select); 7 bases into the intron before coding-DNA position 68, one base duplicated (T; older notation c.68-7dupT).
Molecular consequence: intron variant.
Genome position (GRCh38, 1-based): chr13:32,319,070, T duplicated; the last of 10 consecutive T bases (chr13:32,319,061-32,319,070); duplicating any one gives the same sequence. VCF-style (leftmost placement, unchanged base first): chr13-32319060-A-AT. GRCh37 (hg19) VCF-style: chr13-32893197-A-AT.
Other names: p.?; IVS2-7insT; c.68-7dupT (NM_000059.3, NM_000059.4).
Identifiers: ClinVar variation 38065 (VCV000038065.56), dbSNP rs276174878, ClinGen allele CA024531.

ClinVar aggregate classification (germline): Benign/Likely benign. Review status: criteria provided, multiple submitters, no conflicts (2 of 4 stars). 20 submissions from 20 submitters: Benign (5); Likely benign (8). 7 of the submissions do not count toward it. Last evaluated 2026-01-31.
ClinVar aggregate classification (somatic clinical impact): Tier IV - Benign/Likely benign. Review status: no assertion criteria provided (0 of 4 stars). 2 submissions from 1 submitter.

Conditions:
BRCA2-related disorder. Also called: BRCA2-related condition; BRCA2-related disorders. Identifiers: MedGen CN239275.
Pancreatic cancer, susceptibility to, 2. Identifiers: Orphanet 1333, MedGen C3150546, MONDO:0013235, OMIM 613347.
Glioma susceptibility 3 (GLM3). Also called: Glioblastoma 3. Identifiers: Orphanet 182067, Orphanet 360, MedGen C2751641, MONDO:0013093, OMIM 613029.
Breast-ovarian cancer, familial, susceptibility to, 2 (BROVCA2). Also called: BRCA2 Hereditary Breast and Ovarian Cancer. Identifiers: Orphanet 145, MedGen C2675520, MONDO:0012933, OMIM 612555. Disease mechanism: loss of function.
Fanconi anemia complementation group D1. Also called: BRCA2-Related Fanconi Anemia. Identifiers: Orphanet 319462, MedGen C1838457, MONDO:0011584, OMIM 605724.
Medulloblastoma (MDB). Also called: Medulloblastoma, somatic; MEDULLOBLASTOMA PREDISPOSITION SYNDROME. Identifiers: Orphanet 616, MedGen C0025149, MeSH D008527, MONDO:0007959, OMIM 155255, HP:0002885.
Wilms tumor 1 (WT1). Also called: Wilms tumor, somatic. Identifiers: Orphanet 654, MedGen CN033288, MONDO:0008679, OMIM 194070.
Prostate cancer. Also called: Malignant tumor of prostate. Identifiers: Orphanet 1331, MedGen C0376358, MONDO:0008315, HP:0012125.
Familial cancer of breast. Also called: BREAST CANCER, FAMILIAL; hereditary breast carcinoma; Hereditary breast cancer. Identifiers: Orphanet 227535, MedGen C0346153, MONDO:0016419, OMIM 114480. Disease mechanism: loss of function.
Breast and/or ovarian cancer. Identifiers: MedGen CN221562.
Hereditary cancer-predisposing syndrome. Also called: Neoplastic Syndromes, Hereditary; Tumor predisposition; Hereditary Cancer Syndrome; Hereditary neoplastic syndrome. Identifiers: Orphanet 140162, MedGen C0027672, MeSH D009386, MONDO:0015356.
Familial prostate cancer. Also called: Hereditary Prostate Cancer. Identifiers: MedGen C2931456, MONDO:0700275, OMIM 176807.
Hereditary breast ovarian cancer syndrome. Also called: Breast and ovarian cancer; Hereditary breast and ovarian cancer; Hereditary breast and ovarian cancer syndrome (HBOC); Hereditary breast and ovarian cancer syndrome; BRCA1- and BRCA2-Associated Hereditary Breast and Ovarian Cancer; Hereditary breast and/or ovarian cancer syndrome. Identifiers: Orphanet 145, MedGen C0677776, MeSH D061325, MONDO:0003582. Disease mechanism: loss of function.
Lung cancer. Also called: Lung cancer, somatic; Malignant tumor of lung. Identifiers: MedGen C0242379, MONDO:0008903, OMIM 211980.

Submissions (22):

Labcorp Genetics (formerly Invitae), Labcorp
Classification: Benign for Hereditary breast ovarian cancer syndrome. Last evaluated: 2026-01-31. Review status: criteria provided, single submitter. Criteria: Invitae Variant Classification Sherloc (09022015). Collection method: clinical testing. Allele origin: germline.

Mayo Clinic Laboratories, Mayo Clinic
Classification: Likely benign. Last evaluated: 2025-08-05. Review status: criteria provided, single submitter. Criteria: ACMG Guidelines, 2015. Collection method: clinical testing. Allele origin: germline. Observed: 3 variant alleles.
Comment: BS1, BP4

Center for Genomic Medicine, Rigshospitalet, Copenhagen University Hospital
Classification: Benign. Last evaluated: 2025-03-04. Review status: criteria provided, single submitter. Criteria: ACMG Guidelines, 2015. Collection method: clinical testing. Allele origin: germline.

ARUP Laboratories, Molecular Genetics and Genomics, ARUP Laboratories
Classification: Likely benign. Last evaluated: 2024-12-06. Review status: criteria provided, single submitter. Criteria: ARUP Molecular Germline Variant Investigation Process 2024. Collection method: clinical testing. Allele origin: germline.

Blueprint Genetics
Classification: Likely benign. Last evaluated: 2024-11-12. Review status: criteria provided, single submitter. Criteria: ACMG Guidelines, 2015. Collection method: clinical testing. Allele origin: germline.

CeGaT Center for Human Genetics Tuebingen
Classification: Likely benign. Last evaluated: 2024-06-01. Review status: criteria provided, single submitter. Criteria: CeGaT Center For Human Genetics Tuebingen Variant Classification Criteria Version 2. Collection method: clinical testing. Allele origin: germline. Affected: yes. Observed: 1 variant allele.
Comment: BRCA2: BP4

Department of Pathology and Laboratory Medicine, Sinai Health System
Classification: Likely benign for Familial prostate cancer. Last evaluated: 2022-08-17. Review status: criteria provided, single submitter. Criteria: ACMG Guidelines, 2015. Collection method: clinical testing. Allele origin: germline. Affected: yes.

CHEO Genetics Diagnostic Laboratory, Children's Hospital of Eastern Ontario
Classification: Likely benign for Breast and/or ovarian cancer. Last evaluated: 2022-04-12. Review status: criteria provided, single submitter. Criteria: ACMG Guidelines, 2015. Collection method: clinical testing. Allele origin: germline.

Fulgent Genetics
Classification: Likely benign for Familial cancer of breast; Medulloblastoma; Familial prostate cancer; Wilms tumor 1; Fanconi anemia complementation group D1; Breast-ovarian cancer, familial, susceptibility to, 2; Glioma susceptibility 3; Pancreatic cancer, susceptibility to, 2. Last evaluated: 2021-09-02. Review status: criteria provided, single submitter. Criteria: ACMG Guidelines, 2015. Collection method: clinical testing. Allele origin: unknown.

Sema4
Classification: Likely benign for Hereditary cancer-predisposing syndrome. Last evaluated: 2021-01-28. Review status: criteria provided, single submitter. Criteria: Sema4 Curation Guidelines. Collection method: curation. Allele origin: germline.

Women's Health and Genetics/Laboratory Corporation of America, LabCorp
Classification: Benign. Last evaluated: 2016-06-10. Review status: criteria provided, single submitter. Criteria: LabCorp Variant Classification Summary - May 2015. Collection method: clinical testing. Allele origin: germline.
Comment: Variant summary: The BRCA2 c.68-7dupT variant involves an insertion of a non-conserved intronic nucleotide. One in silico tool predicts a benign outcome for this variant. 5/5 splice prediction tools predict no significant impact on normal splicing. However, these predictions have yet to be confirmed by functional studies. This variant is absent in 118368 control chromosomes. This variant has been observed to co-occur with another potentially pathogenic variant in BRCA1 (Press_2008) and BRCA2 c.1813dup/p.Ile605AsnfsX11 (UMD) and c.1949_1950delTA/p.Ile650LysfsX22 (Diez_2011). In addition, multiple clinical diagnostic laboratories/reputable databases classified this variant as benign/likely benign. Taken together, this variant is classified as Benign.

Color Diagnostics, LLC DBA Color Health
Classification: Benign for Hereditary cancer-predisposing syndrome. Last evaluated: 2016-05-11. Review status: criteria provided, single submitter. Criteria: ACMG Guidelines, 2015. Collection method: clinical testing. Allele origin: germline.

GeneDx
Classification: Benign. Last evaluated: 2015-03-19. Review status: criteria provided, single submitter. Criteria: GeneDx Variant Classification Process June 2021. Collection method: clinical testing. Allele origin: germline. Affected: yes.

BRCAlab, Lund University
Classification: Likely benign for Breast-ovarian cancer, familial, susceptibility to, 2. Last evaluated: 2020-03-02. Review status: no assertion criteria provided. Collection method: clinical testing. Allele origin: germline. Affected: yes. Not counted in ClinVar's aggregate classification.

PreventionGenetics, part of Exact Sciences
Classification: Likely benign for BRCA2-related condition. Last evaluated: 2019-07-16. Review status: no assertion criteria provided. Collection method: clinical testing. Allele origin: germline. Not counted in ClinVar's aggregate classification.
Comment: This variant is classified as likely benign based on ACMG/AMP sequence variant interpretation guidelines (Richards et al. 2015 PMID: 25741868, with internal and published modifications).

Counsyl
Classification: Likely benign for Breast-ovarian cancer, familial 2. Last evaluated: 2015-02-11. Review status: no assertion criteria provided. Collection method: literature only. Allele origin: unknown. Inheritance: Autosomal dominant inheritance. Not counted in ClinVar's aggregate classification.

Sharing Clinical Reports Project (SCRP)
Classification: Benign for Breast-ovarian cancer, familial 2. Last evaluated: 2012-05-03. Review status: no assertion criteria provided. Collection method: clinical testing. Allele origin: germline. Not counted in ClinVar's aggregate classification.

Clinical Genetics DNA and cytogenetics Diagnostics Lab, Erasmus MC, Erasmus Medical Center
Classification: Likely benign. Review status: no assertion criteria provided. Collection method: clinical testing. Allele origin: germline. Affected: yes. Study: VKGL Data-share Consensus. Not counted in ClinVar's aggregate classification.

Clinical Genetics Laboratory, Department of Pathology, Netherlands Cancer Institute
Classification: Likely benign. Review status: no assertion criteria provided. Collection method: clinical testing. Allele origin: germline. Affected: yes. Study: VKGL Data-share Consensus. Not counted in ClinVar's aggregate classification.

Faculté Pluridciplinaire Nador, Université Mohamed Premier
Classification: Tier IV - Benign/Likely benign for Familial cancer of breast. Review status: no assertion criteria provided. Collection method: research. Allele origin: somatic. Affected: yes.
Comment: The following databases and algorithms are used to annotate and evaluate the impact of the variant in the context of human disease: 1000 genomes, gnomAD, ClinVar, OMIM, dbSNP, NCIB RefSeq Genes, ExAC Gene Constraints, VS-SIFT, VS-PolyPhen2, PhyloP, GERP++, GeneSplicer, MaxEntScan, NNSplice, PWM Splice Predictor.

Faculté Pluridciplinaire Nador, Université Mohamed Premier
Classification: Tier IV - Benign/Likely benign for Lung cancer. Review status: no assertion criteria provided. Collection method: research. Allele origin: somatic. Affected: yes.
Comment: the same text as in the submission from Faculté Pluridciplinaire Nador, Université Mohamed Premier above.

Genome Diagnostics Laboratory, University Medical Center Utrecht
Classification: Likely benign. Review status: no assertion criteria provided. Collection method: clinical testing. Allele origin: germline. Affected: yes. Study: VKGL Data-share Consensus. Not counted in ClinVar's aggregate classification.

Literature cited by the submitters: PubMed 22848303 (cited by Department of Pathology and Laboratory Medicine, Sinai Health System and Women's Health and Genetics/Laboratory Corporation of America, LabCorp); PubMed 18547621 (cited by Women's Health and Genetics/Laboratory Corporation of America, LabCorp); PubMed 25274553 (cited by Counsyl).